The following is an entry in ClinVar:

NM_004408.4(DNM1):c.1021G>A (p.Glu341Lys)

Gene: DNM1 (dynamin 1; plus strand). Cytogenetic location: 9q34.11.
Variant type: single nucleotide variant.
Coding change: c.1021G>A on transcript NM_004408.4 (MANE Select); coding-DNA position 1021, G replaced by A.
Protein change: p.Glu341Lys; replaces glutamic acid 341 with lysine.
Molecular consequence: missense variant.
Genome position (GRCh38, 1-based): chr9:128,222,489, G>A. VCF-style: chr9-128222489-G-A. GRCh37 (hg19) VCF-style: chr9-130984768-G-A.
Other names: c.1021G>A, p.Glu341Lys (NM_001005336.3, NM_001288737.2, NM_001288738.2 and 2 more transcripts); short protein forms E341K.
Identifiers: ClinVar variation 2711976 (VCV002711976.3), dbSNP rs2538997317, ClinGen allele CA375015931.

ClinVar aggregate classification (germline): Uncertain significance (1 of 4 stars; one submission).

Conditions:
Developmental and epileptic encephalopathy, 31A. Also called: Epileptic encephalopathy, early infantile, 31; Developmental and epileptic encephalopathy, 31. Identifiers: Orphanet 2382, MedGen C4225357, MONDO:0014598, OMIM 616346.

Submission:

Labcorp Genetics (formerly Invitae), Labcorp
Classification: Uncertain significance for Developmental and epileptic encephalopathy, 31A. Last evaluated: 2024-06-05. Review status: criteria provided, single submitter. Criteria: Invitae Variant Classification Sherloc (09022015). Collection method: clinical testing. Allele origin: germline.
Comment: This sequence change replaces glutamic acid, which is acidic and polar, with lysine, which is basic and polar, at codon 341 of the DNM1 protein (p.Glu341Lys). This variant is not present in population databases (gnomAD no frequency). This variant has not been reported in the literature in individuals affected with DNM1-related conditions. Advanced modeling of protein sequence and biophysical properties (such as structural, functional, and spatial information, amino acid conservation, physicochemical variation, residue mobility, and thermodynamic stability) performed at Invitae indicates that this missense variant is not expected to disrupt DNM1 protein function with a negative predictive value of 80%. In summary, the available evidence is currently insufficient to determine the role of this variant in disease. Therefore, it has been classified as a Variant of Uncertain Significance.